The following is an entry in ClinVar:

NM_000081.4(LYST):c.7059+7G>A

Gene: LYST (lysosomal trafficking regulator; minus strand). Cytogenetic location: 1q42.3.
Variant type: single nucleotide variant.
Coding change: c.7059+7G>A on transcript NM_000081.4 (MANE Select); 7 bases into the intron after coding-DNA position 7059, G replaced by A.
Molecular consequence: intron variant.
Genome position (GRCh38, 1-based): chr1:235,757,274, C>T on the plus strand (G>A on the coding strand, the complement: LYST is on the minus strand). VCF-style: chr1-235757274-C-T. GRCh37 (hg19) VCF-style: chr1-235920574-C-T.
Other names: p.?; c.7059+7G>A (NM_001301365.1).
Identifiers: ClinVar variation 254937 (VCV000254937.21), dbSNP rs111764031, ClinGen allele CA1466242.

ClinVar aggregate classification (germline): Benign/Likely benign. Review status: criteria provided, multiple submitters, no conflicts (2 of 4 stars). 7 submissions from 7 submitters: Benign (3); Likely benign (4). Last evaluated 2026-01-28.

Conditions:
Autoinflammatory syndrome. Identifiers: Orphanet 93665, MedGen C3890737, MONDO:0019751.
Chédiak-Higashi syndrome (CHS). Also called: Chediak-Higashi Syndrome. Identifiers: Orphanet 167, MedGen C0007965, MONDO:0008963, OMIM 214500.

Allele frequency attached by ClinVar (database versions not stated): gnomAD 0.00549 and 0.00582; 1000 Genomes Project 0.00559; 1000 Genomes Project 30x 0.00578; TOPMed 0.00606; ESP Exome Variant Server 0.00638.
gnomAD v4.1: 1,863 of 1,601,264 alleles (0.12%); highest among the groups gnomAD compares: African/African-American, 1.8%; 27 homozygotes.

Submissions (7):

Labcorp Genetics (formerly Invitae), Labcorp
Classification: Benign for Chédiak-Higashi syndrome. Last evaluated: 2026-01-28. Review status: criteria provided, single submitter. Criteria: Invitae Variant Classification Sherloc (09022015). Collection method: clinical testing. Allele origin: germline.

Genomic Medicine Center of Excellence, King Faisal Specialist Hospital and Research Centre
Classification: Likely benign. Last evaluated: 2025-08-18. Review status: criteria provided, single submitter. Criteria: ACMG Guidelines, 2015. Collection method: clinical testing. Allele origin: germline.

Mayo Clinic Laboratories, Mayo Clinic
Classification: Benign. Last evaluated: 2025-08-13. Review status: criteria provided, single submitter. Criteria: ACMG Guidelines, 2015. Collection method: clinical testing. Allele origin: germline. Observed: 12 variant alleles.
Comment: BS1, BS2

Genome Diagnostics Laboratory, The Hospital for Sick Children
Classification: Likely benign for Autoinflammatory syndrome. Last evaluated: 2019-12-01. Review status: criteria provided, single submitter. Criteria: ACMG Guidelines, 2015. Collection method: clinical testing. Allele origin: germline. Affected: yes.

Illumina Laboratory Services, Illumina
Classification: Benign for Chédiak-Higashi syndrome. Last evaluated: 2018-01-13. Review status: criteria provided, single submitter. Criteria: ICSL Variant Classification Criteria 13 December 2019. Collection method: clinical testing. Allele origin: germline.
Comment: This variant was observed in the ICSL laboratory as part of a predisposition screen in an ostensibly healthy population. It had not been previously curated by ICSL or reported in the Human Gene Mutation Database (HGMD: prior to June 1st, 2018), and was therefore a candidate for classification through an automated scoring system. Utilizing variant allele frequency, disease prevalence and penetrance estimates, and inheritance mode, an automated score was calculated to assess if this variant is too frequent to cause the disease. Based on the score and internal cut-off values, a variant classified as benign is not then subjected to further curation. The score for this variant resulted in a classification of benign for this disease.

Breakthrough Genomics
Classification: Likely benign. Review status: criteria provided, single submitter. Criteria: ACMG Guidelines, 2015. Collection method: not provided. Allele origin: germline. Inheritance: Autosomal recessive inheritance. Affected: yes.

PreventionGenetics, part of Exact Sciences
Classification: Likely benign. Review status: criteria provided, single submitter. Criteria: ACMG Guidelines, 2015. Collection method: clinical testing. Allele origin: germline.